The following is an entry in ClinVar:

NM_024675.4(PALB2):c.2510A>G (p.Glu837Gly)

Gene: PALB2 (partner and localizer of BRCA2; minus strand). Cytogenetic location: 16p12.2.
Variant type: single nucleotide variant.
Coding change: c.2510A>G on transcript NM_024675.4 (MANE Select); coding-DNA position 2510, A replaced by G.
Protein change: p.Glu837Gly; replaces glutamic acid 837 with glycine.
Molecular consequence: missense variant. On other transcripts: intron variant (1).
Genome position (GRCh38, 1-based): chr16:23,629,644, T>C on the plus strand (A>G on the coding strand, the complement: PALB2 is on the minus strand). VCF-style: chr16-23629644-T-C. GRCh37 (hg19) VCF-style: chr16-23640965-T-C.
Other names: c.2450A>G, p.Glu817Gly (NM_001407296.1); c.2510A>G, p.Glu837Gly (NM_001407297.1, NM_001407298.1, NM_001407299.1 and 3 more transcripts); c.1625A>G, p.Glu542Gly (NM_001407304.1, NM_001407305.1, NM_001407306.1 and 5 more transcripts); c.722A>G, p.Glu241Gly (NM_001407312.1, NM_001407313.1); c.49-369A>G (NM_001407314.1); short protein forms E817G, E837G, E241G, E542G.
Identifiers: ClinVar variation 4703627 (VCV004703627.1).

ClinVar aggregate classification (germline): Uncertain significance (1 of 4 stars; one submission).

Conditions:
Familial cancer of breast. Also called: hereditary breast carcinoma; BREAST CANCER, FAMILIAL; Hereditary breast cancer. Identifiers: Orphanet 227535, MedGen C0346153, MONDO:0016419, OMIM 114480. Disease mechanism: loss of function.

Submission:

Labcorp Genetics (formerly Invitae), Labcorp
Classification: Uncertain significance for Familial cancer of breast. Last evaluated: 2025-12-01. Review status: criteria provided, single submitter. Criteria: Invitae Variant Classification Sherloc (09022015). Collection method: clinical testing. Allele origin: germline.
Comment: This sequence change replaces glutamic acid, which is acidic and polar, with glycine, which is neutral and non-polar, at codon 837 of the PALB2 protein (p.Glu837Gly). This variant is not present in population databases (gnomAD no frequency). This variant has not been reported in the literature in individuals affected with PALB2-related conditions. Invitae Evidence Modeling of protein sequence and biophysical properties (such as structural, functional, and spatial information, amino acid conservation, physicochemical variation, residue mobility, and thermodynamic stability) indicates that this missense variant is not expected to disrupt PALB2 protein function with a negative predictive value of 80%. In summary, the available evidence is currently insufficient to determine the role of this variant in disease. Therefore, it has been classified as a Variant of Uncertain Significance.